The following is an entry in ClinVar:

ClinVar aggregate classification (germline): Uncertain significance (1 of 4 stars; one submission).

Conditions:
Glycogen storage disease, type II (IOPD). Also called: Glucosidase acid-1,4-alpha deficiency; Pompe Disease; POMPE DISEASE, INFANTILE-ONSET; GLYCOGEN STORAGE DISEASE II, INFANTILE-ONSET; ACID ALPHA-GLUCOSIDASE DEFICIENCY, INFANTILE-ONSET; GAA DEFICIENCY, INFANTILE-ONSET. Identifiers: Orphanet 365, MedGen C0017921, MONDO:0009290, OMIM 232300.

Submission:

Labcorp Genetics (formerly Invitae), Labcorp
Classification: Uncertain significance for Glycogen storage disease, type II. Last evaluated: 2022-08-15. Review status: criteria provided, single submitter. Criteria: Invitae Variant Classification Sherloc (09022015). Collection method: clinical testing. Allele origin: germline.
Comment: This variant is not present in population databases (gnomAD no frequency). This variant has not been reported in the literature in individuals affected with GAA-related conditions. ClinVar contains an entry for this variant (Variation ID: 456383). Algorithms developed to predict the effect of missense changes on protein structure and function are either unavailable or do not agree on the potential impact of this missense change (SIFT: "Tolerated"; PolyPhen-2: "Possibly Damaging"; Align-GVGD: "Class C0"). Algorithms developed to predict the effect of sequence changes on RNA splicing suggest that this variant may disrupt the consensus splice site. In summary, the available evidence is currently insufficient to determine the role of this variant in disease. Therefore, it has been classified as a Variant of Uncertain Significance. This sequence change replaces arginine, which is basic and polar, with tryptophan, which is neutral and slightly polar, at codon 585 of the GAA protein (p.Arg585Trp).

NM_000152.5(GAA):c.1753A>T (p.Arg585Trp)

Gene: GAA (alpha glucosidase; plus strand). Cytogenetic location: 17q25.3.
Variant type: single nucleotide variant.
Coding change: c.1753A>T on transcript NM_000152.5 (MANE Select); coding-DNA position 1753, A replaced by T.
Protein change: p.Arg585Trp; replaces arginine 585 with tryptophan.
Molecular consequence: missense variant.
Genome position (GRCh38, 1-based): chr17:80,112,099, A>T. VCF-style: chr17-80112099-A-T. GRCh37 (hg19) VCF-style: chr17-78085898-A-T.
Other names: c.1753A>T (LRG_673t1); c.1753A>T, p.Arg585Trp (NM_001079803.3, NM_001079804.3); short protein forms R585W.
Identifiers: ClinVar variation 456383 (VCV000456383.11), dbSNP rs1555601273, ClinGen allele CA401369189.